The following is an entry in ClinVar:

NM_000377.3(WAS):c.172C>A (p.Pro58Thr)

Gene: WAS (WASP actin nucleation promoting factor; plus strand). Cytogenetic location: Xp11.23.
Variant type: single nucleotide variant.
Coding change: c.172C>A on transcript NM_000377.3 (MANE Select); coding-DNA position 172, C replaced by A.
Protein change: p.Pro58Thr; replaces proline 58 with threonine.
Molecular consequence: missense variant.
Genome position (GRCh38, 1-based): chrX:48,684,322, C>A. VCF-style: chrX-48684322-C-A. GRCh37 (hg19) VCF-style: chrX-48542711-C-A.
Other names: short protein forms P58T.
Identifiers: ClinVar variation 844399 (VCV000844399.9), dbSNP rs2062412365, ClinGen allele CA412866249.

ClinVar aggregate classification (germline): Pathogenic (1 of 4 stars; one submission).

Conditions:
X-linked severe congenital neutropenia (SCNX). Identifiers: Orphanet 86788, MedGen C1845987, MONDO:0010294, OMIM 300299.
Thrombocytopenia 1. Also called: X-linked thrombocytopenia with normal platelets; THROMBOCYTOPENIA, X-LINKED, 1; X-Linked Thrombocytopenia (XLT). Identifiers: Orphanet 268322, Orphanet 852, MedGen C1839163, MONDO:0010743, OMIM 313900.
Wiskott-Aldrich syndrome (WAS). Also called: WISKOTT-ALDRICH SYNDROME 1; Wiskott-aldrich syndrome, somatic; ALDRICH SYNDROME; IMMUNODEFICIENCY 2. Identifiers: Orphanet 906, MedGen C0043194, MONDO:0010518, OMIM 301000.

Submission:

Labcorp Genetics (formerly Invitae), Labcorp
Classification: Pathogenic for Wiskott-Aldrich syndrome; X-linked severe congenital neutropenia; Thrombocytopenia 1. Last evaluated: 2022-04-13. Review status: criteria provided, single submitter. Criteria: Invitae Variant Classification Sherloc (09022015). Collection method: clinical testing. Allele origin: germline.
Comment: This sequence change replaces proline, which is neutral and non-polar, with threonine, which is neutral and polar, at codon 58 of the WAS protein (p.Pro58Thr). This variant is not present in population databases (gnomAD no frequency). This missense change has been observed in individuals with clinical features of Wiskott-Aldrich syndrome (PMID: 20173115; Invitae). ClinVar contains an entry for this variant (Variation ID: 844399). Advanced modeling of protein sequence and biophysical properties (such as structural, functional, and spatial information, amino acid conservation, physicochemical variation, residue mobility, and thermodynamic stability) performed at Invitae indicates that this missense variant is expected to disrupt WAS protein function. This variant disrupts the p.Pro58 amino acid residue in WAS. Other variant(s) that disrupt this residue have been observed in individuals with WAS-related conditions (PMID: 11877312, 15284122), which suggests that this may be a clinically significant amino acid residue. For these reasons, this variant has been classified as Pathogenic.

Literature cited by the submitters: PubMed 20173115; PubMed 11877312; PubMed 15284122.